The following is an entry in ClinVar:

NM_000376.3(VDR):c.766T>G (p.Ser256Ala)

Gene: VDR (vitamin D receptor; minus strand). Cytogenetic location: 12q13.11.
Variant type: single nucleotide variant.
Coding change: c.766T>G on transcript NM_000376.3 (MANE Select); coding-DNA position 766, T replaced by G.
Protein change: p.Ser256Ala; replaces serine 256 with alanine.
Molecular consequence: missense variant.
Genome position (GRCh38, 1-based): chr12:47,846,798, A>C on the plus strand (T>G on the coding strand, the complement: VDR is on the minus strand). VCF-style: chr12-47846798-A-C. GRCh37 (hg19) VCF-style: chr12-48240581-A-C.
Other names: c.766T>G, p.Ser256Ala (NM_001017535.2, NM_001364085.2, NM_001374661.1 and 1 more transcripts); c.916T>G, p.Ser306Ala (NM_001017536.2); short protein forms S256A, S306A.
Identifiers: ClinVar variation 4280886 (VCV004280886.7).
Genomic context (GRCh38, chr12:47,846,798, plus strand): 5'-TGGAGCGCAACATGATGACCTCAATGGCACTTGACTTCAGCAGTACGATCTGGTCCTCAG[A>C]GGTGAGGTCTCTGCAGGGGAGGGAGGGAAGGAGGTCAGGTTACCAGTAAACGCCTTCAAG-3'
Protein context (NP_000367.1, residues 246-266): KMIPGFRDLT[Ser256Ala]EDQIVLLKSS

ClinVar aggregate classification (germline): Uncertain significance (1 of 4 stars; one submission).

gnomAD v4.1: 22 of 1,614,046 alleles (0.0014%); highest among the groups gnomAD compares: Non-Finnish European, 0.0019%; no homozygotes.

Submission:

CeGaT Center for Human Genetics Tuebingen
Classification: Uncertain significance. Last evaluated: 2025-09-01. Review status: criteria provided, single submitter. Criteria: CeGaT Center For Human Genetics Tuebingen Variant Classification Criteria Version 2. Collection method: clinical testing. Allele origin: germline. Affected: yes. Observed: 1 variant allele.
Comment: VDR: PM2, BP4